The following is an entry in ClinVar:

NM_015072.5(TTLL5):c.1099G>A (p.Val367Met)

Gene: TTLL5 (tubulin tyrosine ligase like 5; plus strand). Cytogenetic location: 14q24.3.
Variant type: single nucleotide variant.
Coding change: c.1099G>A on transcript NM_015072.5 (MANE Select); coding-DNA position 1099, G replaced by A.
Protein change: p.Val367Met; replaces valine 367 with methionine.
Molecular consequence: missense variant.
Genome position (GRCh38, 1-based): chr14:75,732,394, G>A. VCF-style: chr14-75732394-G-A. GRCh37 (hg19) VCF-style: chr14-76198737-G-A.
Other names: short protein forms V367M.
Identifiers: ClinVar variation 867003 (VCV000867003.10), dbSNP rs1361306305, ClinGen allele CA390461182.

ClinVar aggregate classification (germline): Uncertain significance. Review status: criteria provided, multiple submitters, no conflicts (2 of 4 stars). 3 submissions from 3 submitters: Uncertain significance (3). Last evaluated 2023-11-02.

Conditions:
Inborn genetic diseases. Identifiers: MedGen C0950123, MeSH D030342.

Allele frequency attached by ClinVar (database versions not stated): gnomAD 0.00001; gnomAD exomes 0.00001; TOPMed 0.00001.
gnomAD v4.1: 12 of 1,613,722 alleles (0.00074%); highest among the groups gnomAD compares: Non-Finnish European, 0.001%; no homozygotes.

Submissions (3):

Labcorp Genetics (formerly Invitae), Labcorp
Classification: Uncertain significance. Last evaluated: 2023-11-02. Review status: criteria provided, single submitter. Criteria: Invitae Variant Classification Sherloc (09022015). Collection method: clinical testing. Allele origin: germline.
Comment: This sequence change replaces valine, which is neutral and non-polar, with methionine, which is neutral and non-polar, at codon 367 of the TTLL5 protein (p.Val367Met). This variant is present in population databases (no rsID available, gnomAD 0.01%). This missense change has been observed in individual(s) with cone-rod dystrophy (Invitae). In at least one individual the data is consistent with being in trans (on the opposite chromosome) from a pathogenic variant. ClinVar contains an entry for this variant (Variation ID: 867003). Advanced modeling of protein sequence and biophysical properties (such as structural, functional, and spatial information, amino acid conservation, physicochemical variation, residue mobility, and thermodynamic stability) has been performed at Invitae for this missense variant, however the output from this modeling did not meet the statistical confidence thresholds required to predict the impact of this variant on TTLL5 protein function. In summary, the available evidence is currently insufficient to determine the role of this variant in disease. Therefore, it has been classified as a Variant of Uncertain Significance.

Ambry Genetics
Classification: Uncertain significance for Inborn genetic diseases. Last evaluated: 2023-05-24. Review status: criteria provided, single submitter. Criteria: Ambry Variant Classification Scheme 2023. Collection method: clinical testing. Allele origin: germline.

Blueprint Genetics
Classification: Uncertain significance. Last evaluated: 2021-08-09. Review status: criteria provided, single submitter. Criteria: ACMG Guidelines, 2015. Collection method: clinical testing. Allele origin: germline.